The following is an entry in ClinVar:

ClinVar aggregate classification (germline): Pathogenic (1 of 4 stars; one submission).

Conditions:
Creatine transporter deficiency (CCDS1). Also called: Mental retardation , X-linked with seizures, short stature and midface hypoplasia; Mental retardation , X-linked, with creatine transport deficiency; X-linked creatine transporter deficiency; X-linked creatine deficiency syndrome; SLC6A8-Related Creatine Transporter Deficiency; CREATINE TRANSPORTER DEFECT. Identifiers: Orphanet 52503, MedGen C1845862, MONDO:0010305, OMIM 300352.

Submission:

Labcorp Genetics (formerly Invitae), Labcorp
Classification: Pathogenic for Creatine transporter deficiency. Last evaluated: 2018-12-23. Review status: criteria provided, single submitter. Criteria: Invitae Variant Classification Sherloc (09022015). Collection method: clinical testing. Allele origin: germline.
Comment: This variant is not present in population databases (ExAC no frequency). This sequence change creates a premature translational stop signal (p.Tyr476*) in the SLC6A8 gene. It is expected to result in an absent or disrupted protein product. This variant has not been reported in the literature in individuals with SLC6A8-related conditions. Loss-of-function variants in SLC6A8 are known to be pathogenic (PMID: 22281021). For these reasons, this variant has been classified as Pathogenic.

Literature cited by the submitters: PubMed 22281021.

NM_005629.4(SLC6A8):c.1428C>A (p.Tyr476Ter)

Gene: SLC6A8 (solute carrier family 6 member 8; plus strand). Cytogenetic location: Xq28.
Variant type: single nucleotide variant.
Coding change: c.1428C>A on transcript NM_005629.4 (MANE Select); coding-DNA position 1428, C replaced by A.
Protein change: p.Tyr476Ter; replaces tyrosine 476 with a stop codon.
Molecular consequence: nonsense.
Genome position (GRCh38, 1-based): chrX:153,694,379, C>A. VCF-style: chrX-153694379-C-A. GRCh37 (hg19) VCF-style: chrX-152959834-C-A.
Other names: c.1398C>A, p.Tyr466Ter (NM_001142805.2); c.1083C>A, p.Tyr361Ter (NM_001142806.1); short protein forms Y361*, Y466*, Y476*.
Identifiers: ClinVar variation 663194 (VCV000663194.6), dbSNP rs1239466041, ClinGen allele CA415087492.